The following is an entry in ClinVar:

NM_020376.4(PNPLA2):c.187+15G>A

Genes: PNPLA2 (patatin like domain 2, triacylglycerol lipase; plus strand), LOC130005097 (ATAC-STARR-seq lymphoblastoid silent region 3036; plus strand). Cytogenetic location: 11p15.5.
Variant type: single nucleotide variant.
Coding change: c.187+15G>A on transcript NM_020376.4 (MANE Select); 15 bases into the intron after coding-DNA position 187, G replaced by A.
Molecular consequence: intron variant.
Genome position (GRCh38, 1-based): chr11:819,920, G>A. VCF-style: chr11-819920-G-A. GRCh37 (hg19) VCF-style: chr11-819920-G-A.
Other names: p.?.
Identifiers: ClinVar variation 261239 (VCV000261239.16), dbSNP rs371958663, ClinGen allele CA5790910.
Genomic context (GRCh38, chr11:819,920, plus strand): 5'-GCCGGGGCGCTCACGGCCACGGCGCTGGTCACCGGGGTCTGCCTGGGTGAGCGGGGCCGG[G>A]GGCGGCAGGCGGGGGGCTGGCGGGAAGGCCGTGCGGGGCCGGGGGATGGTCTCCGTGAGC-3'

ClinVar aggregate classification (germline): Benign/Likely benign. Review status: criteria provided, multiple submitters, no conflicts (2 of 4 stars). 5 submissions from 5 submitters: Benign (4); Likely benign (1). Last evaluated 2026-02-04.

Conditions:
Neutral lipid storage myopathy (NLSDM). Also called: NEUTRAL LIPID STORAGE DISEASE WITHOUT ICHTHYOSIS. Identifiers: Orphanet 98908, MedGen C1853136, MONDO:0012545, OMIM 610717.

Allele frequency attached by ClinVar (database versions not stated): gnomAD exomes 0.00276 and 0.00440; ExAC 0.00676; ESP Exome Variant Server 0.03189; TOPMed 0.03895; gnomAD 0.03412 and 0.03705; 1000 Genomes Project 0.03494; 1000 Genomes Project 30x 0.03623.

Submissions (5):

Labcorp Genetics (formerly Invitae), Labcorp
Classification: Likely benign for Neutral lipid storage myopathy. Last evaluated: 2026-02-04. Review status: criteria provided, single submitter. Criteria: Invitae Variant Classification Sherloc (09022015). Collection method: clinical testing. Allele origin: germline.

Mayo Clinic Laboratories, Mayo Clinic
Classification: Benign. Last evaluated: 2022-04-29. Review status: criteria provided, single submitter. Criteria: ACMG Guidelines, 2015. Collection method: clinical testing. Allele origin: germline. Observed: 27 variant alleles.

GeneDx
Classification: Benign. Last evaluated: 2019-08-22. Review status: criteria provided, single submitter. Criteria: GeneDx Variant Classification Process June 2021. Collection method: clinical testing. Allele origin: germline. Affected: yes.

Illumina Laboratory Services, Illumina
Classification: Benign for Neutral lipid storage myopathy. Last evaluated: 2018-01-13. Review status: criteria provided, single submitter. Criteria: ICSL Variant Classification Criteria 13 December 2019. Collection method: clinical testing. Allele origin: germline.
Comment: This variant was observed in the ICSL laboratory as part of a predisposition screen in an ostensibly healthy population. It had not been previously curated by ICSL or reported in the Human Gene Mutation Database (HGMD: prior to June 1st, 2018), and was therefore a candidate for classification through an automated scoring system. Utilizing variant allele frequency, disease prevalence and penetrance estimates, and inheritance mode, an automated score was calculated to assess if this variant is too frequent to cause the disease. Based on the score and internal cut-off values, a variant classified as benign is not then subjected to further curation. The score for this variant resulted in a classification of benign for this disease.

PreventionGenetics, part of Exact Sciences
Classification: Benign. Review status: criteria provided, single submitter. Criteria: ACMG Guidelines, 2015. Collection method: clinical testing. Allele origin: germline.